The following is an entry in ClinVar:

NM_001001957.2(OR2W3):c.661A>C (p.Ile221Leu)

Gene: OR2W3 (olfactory receptor family 2 subfamily W member 3; plus strand). Cytogenetic location: 1q44.
Variant type: single nucleotide variant.
Coding change: c.661A>C on transcript NM_001001957.2 (MANE Select); coding-DNA position 661, A replaced by C.
Protein change: p.Ile221Leu; replaces isoleucine 221 with leucine.
Molecular consequence: missense variant.
Genome position (GRCh38, 1-based): chr1:247,896,247, A>C. VCF-style: chr1-247896247-A-C. GRCh37 (hg19) VCF-style: chr1-248059549-A-C.
Other names: short protein forms I221L.
Identifiers: ClinVar variation 3001774 (VCV003001774.3), dbSNP rs1265454785, ClinGen allele CA345594932.
Genomic context (GRCh38, chr1:247,896,247, plus strand): 5'-GTCCTGGCGGTGGGTGTTGTGCTGTCCCCCTTGGTGTTTATCCTGCTCTCTTACAGCTAC[A>C]TTGTGAGGGCTGTGTTACAAATTCGGTCAGCATCAGGAAGGCAGAAGGCCTTCGGCACCT-3'
Protein context (NP_001001957.2, residues 211-231): LVFILLSYSY[Ile221Leu]VRAVLQIRSA

ClinVar aggregate classification (germline): Uncertain significance (1 of 4 stars; one submission).

Submission:

Labcorp Genetics (formerly Invitae), Labcorp
Classification: Uncertain significance. Last evaluated: 2023-09-03. Review status: criteria provided, single submitter. Criteria: Invitae Variant Classification Sherloc (09022015). Collection method: clinical testing. Allele origin: germline.
Comment: In summary, the available evidence is currently insufficient to determine the role of this variant in disease. Therefore, it has been classified as a Variant of Uncertain Significance. An algorithm developed to predict the effect of missense changes on protein structure and function (PolyPhen-2) suggests that this variant is likely to be disruptive. This variant has not been reported in the literature in individuals affected with OR2W3-related conditions. This variant is not present in population databases (gnomAD no frequency). This sequence change replaces isoleucine, which is neutral and non-polar, with leucine, which is neutral and non-polar, at codon 221 of the OR2W3 protein (p.Ile221Leu).